The following is an entry in ClinVar:

ClinVar aggregate classification (germline): Likely benign. Review status: criteria provided, multiple submitters, no conflicts (2 of 4 stars). 3 submissions from 3 submitters: Likely benign (2). 1 of the submissions does not count toward it. Last evaluated 2025-05-27.

Conditions:
BBS4-related disorder. Also called: BBS4-related condition.
Bardet-Biedl syndrome (BBS). Identifiers: Orphanet 110, MedGen C0752166, MONDO:0015229.

Allele frequency attached by ClinVar (database versions not stated): gnomAD exomes below 0.00001 and 0.00001; ExAC 0.00003; gnomAD 0.00004 and 0.00005.
gnomAD v4.1: 10 of 1,613,646 alleles (0.00062%); highest among the groups gnomAD compares: African/African-American, 0.013%; no homozygotes.

Submissions (3):

Labcorp Genetics (formerly Invitae), Labcorp
Classification: Likely benign for Bardet-Biedl syndrome. Last evaluated: 2025-05-27. Review status: criteria provided, single submitter. Criteria: Invitae Variant Classification Sherloc (09022015). Collection method: clinical testing. Allele origin: germline.

Blueprint Genetics
Classification: Likely benign. Last evaluated: 2021-07-16. Review status: criteria provided, single submitter. Criteria: ACMG Guidelines, 2015. Collection method: clinical testing. Allele origin: germline.

PreventionGenetics, part of Exact Sciences
Classification: Likely benign for BBS4-related condition. Last evaluated: 2023-10-12. Review status: no assertion criteria provided. Collection method: clinical testing. Allele origin: germline. Not counted in ClinVar's aggregate classification.
Comment: This variant is classified as likely benign based on ACMG/AMP sequence variant interpretation guidelines (Richards et al. 2015 PMID: 25741868, with internal and published modifications).

NM_033028.5(BBS4):c.587+7G>C

Gene: BBS4 (Bardet-Biedl syndrome 4; plus strand). Cytogenetic location: 15q24.1.
Variant type: single nucleotide variant.
Coding change: c.587+7G>C on transcript NM_033028.5 (MANE Select); 7 bases into the intron after coding-DNA position 587, G replaced by C.
Molecular consequence: intron variant.
Genome position (GRCh38, 1-based): chr15:72,724,662, G>C. VCF-style: chr15-72724662-G-C. GRCh37 (hg19) VCF-style: chr15-73017003-G-C.
Other names: c.587+7G>C (NM_001320665.2, NM_033028.4); c.71+7G>C (NM_001252678.2).
Identifiers: ClinVar variation 1082153 (VCV001082153.11), dbSNP rs755929085, ClinGen allele CA7646675.